The following is an entry in ClinVar:

NM_178822.5(IGSF10):c.7700A>G (p.His2567Arg)

Gene: IGSF10 (immunoglobulin superfamily member 10; minus strand). Cytogenetic location: 3q25.1.
Variant type: single nucleotide variant.
Coding change: c.7700A>G on transcript NM_178822.5 (MANE Select); coding-DNA position 7700, A replaced by G.
Protein change: p.His2567Arg; replaces histidine 2567 with arginine.
Molecular consequence: missense variant.
Genome position (GRCh38, 1-based): chr3:151,436,861, T>C on the plus strand (A>G on the coding strand, the complement: IGSF10 is on the minus strand). VCF-style: chr3-151436861-T-C. GRCh37 (hg19) VCF-style: chr3-151154649-T-C.
Other names: c.1637A>G, p.His546Arg (NM_001178145.3, NM_001178146.3); c.7700A>G, p.His2567Arg (NM_001385060.1, NM_001385061.1, NM_001385062.1 and 1 more transcripts); short protein forms H2567R, H546R.
Identifiers: ClinVar variation 3662977 (VCV003662977.2).

ClinVar aggregate classification (germline): Uncertain significance (1 of 4 stars; one submission).

Submission:

Labcorp Genetics (formerly Invitae), Labcorp
Classification: Uncertain significance. Last evaluated: 2024-08-28. Review status: criteria provided, single submitter. Criteria: Invitae Variant Classification Sherloc (09022015). Collection method: clinical testing. Allele origin: germline.
Comment: This sequence change replaces histidine, which is basic and polar, with arginine, which is basic and polar, at codon 2567 of the IGSF10 protein (p.His2567Arg). This variant is not present in population databases (gnomAD no frequency). This variant has not been reported in the literature in individuals affected with IGSF10-related conditions. An algorithm developed to predict the effect of missense changes on protein structure and function (PolyPhen-2) suggests that this variant is likely to be tolerated. In summary, the available evidence is currently insufficient to determine the role of this variant in disease. Therefore, it has been classified as a Variant of Uncertain Significance.